The following is an entry in ClinVar:

ClinVar aggregate classification (germline): Uncertain significance. Review status: criteria provided, single submitter (1 of 4 stars). 2 submissions from 2 submitters: Uncertain significance (1). 1 of the submissions does not count toward it. Last evaluated 2021-08-25.

Conditions:
Cardiomyopathy (CMYO). Also called: Cardiomyopathies. Identifiers: Orphanet 167848, MedGen C0878544, MONDO:0004994, HP:0001638. Inheritance: Various modes of inheritance.
Dystrophin deficiency.
Duchenne muscular dystrophy (DMD). Also called: MUSCULAR DYSTROPHY, PSEUDOHYPERTROPHIC PROGRESSIVE, DUCHENNE TYPE; Duchenne Muscular Dystrophy (DMD). Identifiers: Orphanet 98896, MedGen C0013264, MONDO:0010679, OMIM 310200.
Becker muscular dystrophy (BMD). Also called: Becker Muscular Dystrophy (BMD); MUSCULAR DYSTROPHY, PSEUDOHYPERTROPHIC PROGRESSIVE, BECKER TYPE. Identifiers: Orphanet 98895, MedGen C0917713, MONDO:0010311, OMIM 300376.

Allele frequency attached by ClinVar (database versions not stated): gnomAD exomes below 0.00001.
gnomAD v4.1: 4 of 1,208,104 alleles (0.00033%); highest among the groups gnomAD compares: Non-Finnish European, 0.00045%; no homozygotes.

Submissions (2):

Labcorp Genetics (formerly Invitae), Labcorp
Classification: Uncertain significance for Duchenne muscular dystrophy. Last evaluated: 2021-08-25. Review status: criteria provided, single submitter. Criteria: Invitae Variant Classification Sherloc (09022015). Collection method: clinical testing. Allele origin: germline.
Comment: This sequence change replaces alanine with serine at codon 1972 of the DMD protein (p.Ala1972Ser). The alanine residue is highly conserved and there is a moderate physicochemical difference between alanine and serine. This variant is not present in population databases (ExAC no frequency). This variant has not been reported in the literature in individuals affected with DMD-related conditions. Algorithms developed to predict the effect of missense changes on protein structure and function (SIFT, PolyPhen-2, Align-GVGD) all suggest that this variant is likely to be disruptive. In summary, the available evidence is currently insufficient to determine the role of this variant in disease. Therefore, it has been classified as a Variant of Uncertain Significance.

Natera, Inc.
Classification: Uncertain significance for Becker muscular dystrophy; Cardiomyopathy; Duchenne muscular dystrophy; Dystrophin deficiency. Last evaluated: 2018-11-08. Review status: no assertion criteria provided. Collection method: clinical testing. Allele origin: germline. Not counted in ClinVar's aggregate classification.

NM_004006.3(DMD):c.5914G>T (p.Ala1972Ser)

Gene: DMD (dystrophin; minus strand). Cytogenetic location: Xp21.1.
Variant type: single nucleotide variant.
Coding change: c.5914G>T on transcript NM_004006.3 (MANE Select); coding-DNA position 5914, G replaced by T.
Protein change: p.Ala1972Ser; replaces alanine 1972 with serine.
Molecular consequence: missense variant.
Genome position (GRCh38, 1-based): chrX:32,342,108, C>A on the plus strand (G>T on the coding strand, the complement: DMD is on the minus strand). VCF-style: chrX-32342108-C-A. GRCh37 (hg19) VCF-style: chrX-32360225-C-A.
Other names: c.5890G>T, p.Ala1964Ser (NM_000109.4); c.5902G>T, p.Ala1968Ser (NM_004009.3); c.5545G>T, p.Ala1849Ser (NM_004010.3); c.1891G>T, p.Ala631Ser (NM_004011.4); c.1882G>T, p.Ala628Ser (NM_004012.4); short protein forms A1849S, A1964S, A1968S, A1972S, A628S, A631S.
Identifiers: ClinVar variation 1063689 (VCV001063689.7), dbSNP rs1351121628, ClinGen allele CA412664668.